The following is an entry in ClinVar:

NM_001035.3(RYR2):c.5251A>T (p.Ile1751Phe)

Gene: RYR2 (ryanodine receptor 2; plus strand). Cytogenetic location: 1q43.
Variant type: single nucleotide variant.
Coding change: c.5251A>T on transcript NM_001035.3 (MANE Select); coding-DNA position 5251, A replaced by T.
Protein change: p.Ile1751Phe; replaces isoleucine 1751 with phenylalanine.
Molecular consequence: missense variant.
Genome position (GRCh38, 1-based): chr1:237,614,379, A>T. VCF-style: chr1-237614379-A-T. GRCh37 (hg19) VCF-style: chr1-237777679-A-T.
Other names: c.5251A>T, p.Ile1751Phe (LRG_402t1); short protein forms I1751F.
Identifiers: ClinVar variation 663842 (VCV000663842.10), dbSNP rs1573124154, ClinGen allele CA345404559.

ClinVar aggregate classification (germline): Uncertain significance (1 of 4 stars; one submission).

Conditions:
Catecholaminergic polymorphic ventricular tachycardia 1. Also called: VENTRICULAR TACHYCARDIA, CATECHOLAMINERGIC POLYMORPHIC, 1, WITH OR WITHOUT ATRIAL DYSFUNCTION AND/OR DILATED CARDIOMYOPATHY; VENTRICULAR TACHYCARDIA, STRESS-INDUCED POLYMORPHIC 1; RYR2-Related Catecholaminergic Polymorphic Ventricular Tachycardia. Identifiers: Orphanet 3286, MedGen C1631597, MONDO:0011484, OMIM 604772.

Submission:

Labcorp Genetics (formerly Invitae), Labcorp
Classification: Uncertain significance for Catecholaminergic polymorphic ventricular tachycardia 1. Last evaluated: 2024-11-18. Review status: criteria provided, single submitter. Criteria: Invitae Variant Classification Sherloc (09022015). Collection method: clinical testing. Allele origin: germline.
Comment: This sequence change replaces isoleucine, which is neutral and non-polar, with phenylalanine, which is neutral and non-polar, at codon 1751 of the RYR2 protein (p.Ile1751Phe). This variant is not present in population databases (gnomAD no frequency). This variant has not been reported in the literature in individuals affected with RYR2-related conditions. ClinVar contains an entry for this variant (Variation ID: 663842). Invitae Evidence Modeling of protein sequence and biophysical properties (such as structural, functional, and spatial information, amino acid conservation, physicochemical variation, residue mobility, and thermodynamic stability) indicates that this missense variant is not expected to disrupt RYR2 protein function with a negative predictive value of 95%. In summary, the available evidence is currently insufficient to determine the role of this variant in disease. Therefore, it has been classified as a Variant of Uncertain Significance.